The following is an entry in ClinVar:

ClinVar aggregate classification (germline): Conflicting classifications of pathogenicity. Review status: criteria provided, conflicting classifications (1 of 4 stars). 12 submissions from 12 submitters: Pathogenic (1); Likely pathogenic (5); Uncertain significance (3). 3 of the submissions do not count toward it. Last evaluated 2026-05-22.

Conditions:
Zellweger spectrum disorders (ZS). Also called: Zellweger Spectrum Disorder; Zellweger Spectrum; Zellweger Spectrum Disorder (ZSD); Zellweger syndrome. Identifiers: Orphanet 912, MedGen C0043459, MONDO:0019609.
Peroxisome biogenesis disorder 4A (Zellweger) (PBD4A). Also called: Zellweger syndrome spectrum (PEX6-related). Identifiers: Orphanet 912, MedGen C3553936, MONDO:0013930, OMIM 614862. Disease mechanism: loss of function.
Peroxisome biogenesis disorder 4B (PBD4B). Also called: SPINOCEREBELLAR ATAXIA WITH BLINDNESS AND DEAFNESS 1. Identifiers: Orphanet 44, Orphanet 95433, MedGen C3553937, MONDO:0013931, OMIM 614863.
Heimler syndrome 2 (HMLR2). Also called: PEROXISOME BIOGENESIS DISORDER 4C. Identifiers: Orphanet 3220, MedGen C4225267, OMIM 616617, MONDO:0014709.
Peroxisome biogenesis disorder. Identifiers: Orphanet 79189, MedGen C1832200, MONDO:0019234. Disease mechanism: loss of function.
PEX6-related disorder. Also called: PEX6-related condition; PEX6-related disorders.

Allele frequency attached by ClinVar (database versions not stated): gnomAD 0.00001; TOPMed 0.00002.
gnomAD v4.1: 16 of 1,614,082 alleles (0.00099%); highest among the groups gnomAD compares: African/African-American, 0.0013%; no homozygotes.

Submissions (12):

Institute of Human Genetics, Heidelberg University
Classification: Likely pathogenic for Peroxisome biogenesis disorder 4B. Last evaluated: 2026-05-22. Review status: criteria provided, single submitter. Criteria: ACMG Guidelines, 2015. Collection method: clinical testing. Allele origin: germline. Affected: yes. Observed: 1 variant allele.
Comment: PP3_mod, PM2_sup, PM3_str, PP1

Leeds Amelogenesis Imperfecta Research Group, University of Leeds
Classification: Likely pathogenic for Heimler syndrome 2. Last evaluated: 2026-03-18. Review status: criteria provided, single submitter. Criteria: ACMG Guidelines, 2015. Collection method: research. Allele origin: biparental. Inheritance: X-linked inheritance. Affected: yes. Observed: 1 variant allele, 1 homozygote. Segregation with disease observed.
Comment: The NM_000287.4:c.2626C>T variant in PEX6 is predicted to result in a substitution: p.(Arg876Trp). Biallelic variants in PEX6 have been previously identified in individuals with amelogenesis imperfecta as part of the Zellweger spectrum syndromes, including the mildest form, Heimler syndrome. This variant has been previously reported in a publication, although the individual has another variant in trans and therefore is a compound heterozygote. A detailed life history of their symptoms is available in Witters et al. 2016 PMID:27007981. This variant is listed in ClinVar in one individual with Heimler syndrome (RCV003472077.1) and one with Zellweger syndrome (RCV001835075.1). This variant has been identified in one Sudanese family in this study and was homozygous in the affected individual, it was heterozygous in both parents, who were unaffected and segregated with disease in 8 family members (PS4, PP1). This variant is reported in gnomAD (PM3), but is extremely rare (AF 0.000009913) and has been identified only in 16 individuals in total as a heterozygous variant (v.4.1.0). CADD (v1.7) analysis showed this variant to have a score of 26.6 (20 indicates that the variant is in the top 1% of most deleterious variants of the genome, 30 indicates that it is in the top 0.1%) (PP3). Aggregated score on Franklin shows this variant’s score to be likely pathogenic, however there is also a “Pathogenic no influence” flag PP5 associated with this variant. In summary, this variant meets criteria to be classified as likely pathogenic for amelogenesis imperfecta based on the ACMG/AMP criteria applied, as specified: PS4, PP1, PP4, PM3, PM2, PP3, PP5.

Women's Health and Genetics/Laboratory Corporation of America, LabCorp
Classification: Likely pathogenic for Peroxisome biogenesis disorder. Last evaluated: 2024-07-29. Review status: criteria provided, single submitter. Criteria: LabCorp Variant Classification Summary - May 2015. Collection method: clinical testing. Allele origin: germline.
Comment: Variant summary: PEX6 c.2626C>T (p.Arg876Trp) results in a non-conservative amino acid change in the encoded protein sequence. Five of five in-silico tools predict a damaging effect of the variant on protein function. Consensus agreement among computation tools predict no significant impact on normal splicing. However, these predictions have yet to be confirmed by functional studies. The variant allele was found at a frequency of 4e-06 in 251444 control chromosomes.c.2626C>T has been reported in the literature in homozygous individuals and compound heterozygotes, who carried a null allele in trans, and all were affected with a milder form of Zellweger Syndrome, including symptoms of retinal dystrophy and hearing loss (Ebberink_2010, Witters_2016, Perea-Romero_2021, Biswas_2021), suggesting that the variant might cause only a partial loss of PEX6 function. These data indicate that the variant is very likely to be associated with disease. To our knowledge, no experimental evidence demonstrating an impact on protein function has been reported. The following publications have been ascertained in the context of this evaluation (PMID: 34662339, 19877282, 34448047, 27007981). ClinVar contains an entry for this variant (Variation ID: 551183). Based on the evidence outlined above, the variant was classified as likely pathogenic.

Blueprint Genetics
Classification: Pathogenic for PEX6-related disorders. Last evaluated: 2024-05-28. Review status: criteria provided, single submitter. Criteria: ACMG Guidelines, 2015. Collection method: clinical testing. Allele origin: germline. Affected: yes. Observed: 5 variant alleles.

Fulgent Genetics
Classification: Likely pathogenic for Peroxisome biogenesis disorder 4A (Zellweger); Peroxisome biogenesis disorder 4B; Heimler syndrome 2. Last evaluated: 2024-03-07. Review status: criteria provided, single submitter. Criteria: ACMG Guidelines, 2015. Collection method: clinical testing. Allele origin: germline.

Baylor Genetics
Classification: Uncertain significance for Heimler syndrome 2. Last evaluated: 2022-07-28. Review status: criteria provided, single submitter. Criteria: ACMG Guidelines, 2015. Collection method: clinical testing. Allele origin: unknown.

Labcorp Genetics (formerly Invitae), Labcorp
Classification: Uncertain significance for Peroxisome biogenesis disorder. Last evaluated: 2022-07-12. Review status: criteria provided, single submitter. Criteria: Invitae Variant Classification Sherloc (09022015). Collection method: clinical testing. Allele origin: germline.
Comment: This sequence change replaces arginine, which is basic and polar, with tryptophan, which is neutral and slightly polar, at codon 876 of the PEX6 protein (p.Arg876Trp). This variant is present in population databases (rs267608246, gnomAD 0.0009%). This missense change has been observed in individual(s) with an autosomal recessive Zellweger syndrome spectrum disorder (PMID: 19877282). ClinVar contains an entry for this variant (Variation ID: 551183). Algorithms developed to predict the effect of missense changes on protein structure and function are either unavailable or do not agree on the potential impact of this missense change (SIFT: "Deleterious"; PolyPhen-2: "Probably Damaging"; Align-GVGD: "Class C0"). Algorithms developed to predict the effect of sequence changes on RNA splicing suggest that this variant may disrupt the consensus splice site. In summary, the available evidence is currently insufficient to determine the role of this variant in disease. Therefore, it has been classified as a Variant of Uncertain Significance.

Centre for Mendelian Genomics, University Medical Centre Ljubljana
Classification: Uncertain significance for Peroxisome biogenesis disorder 4A (Zellweger). Last evaluated: 2020-03-19. Review status: criteria provided, single submitter. Criteria: ACMG Guidelines, 2015. Collection method: clinical testing. Allele origin: unknown. Affected: yes.
Comment: This variant was classified as: Uncertain significance. The available evidence favors the pathogenic nature of this variant, however the currently available data is insufficient to conclusively support its pathogenic nature. Thus this variant is classified as Uncertain significance - favor pathogenic. The following ACMG criteria were applied in classifying this variant: PM2,PM3,PP3.

Juno Genomics, Hangzhou Juno Genomics, Inc
Classification: Likely pathogenic for Heimler syndrome 2; Peroxisome biogenesis disorder 4A (Zellweger); Peroxisome biogenesis disorder 4B. Review status: criteria provided, single submitter. Criteria: ACMG Guidelines, 2015. Collection method: clinical testing. Allele origin: germline. Affected: yes.
Comment: Absent from controls (or at extremely low frequency if recessive) in Genome Aggregation Database, Exome Sequencing Project, 1000 Genomes Project, or Exome Aggregation Consortium.;For recessive disorders, detected in trans with a pathogenic variant.;Patient's phenotype or family history is highly specific for a disease with a single genetic etiology.;Multiple lines of computational evidence support a deleterious effect on the gene or gene product (conservation, evolutionary, splicing impact, etc).

PreventionGenetics, part of Exact Sciences
Classification: Uncertain significance for PEX6-related condition. Last evaluated: 2024-01-05. Review status: no assertion criteria provided. Collection method: clinical testing. Allele origin: germline. Not counted in ClinVar's aggregate classification.
Comment: The PEX6 c.2626C>T variant is predicted to result in the amino acid substitution p.Arg876Trp. This variant was reported in the compound heterozygous state in an individual with suspected Zellweger syndrome (Witters et al. 2016. PubMed ID: 27007981; Ebberink et al. 2010. PubMed ID: 19877282). This variant was also reported, along with a protein-truncating variant in the same gene, in an individual who presented with retinitis pigmentosa and hearing loss (Perea-Romero et al. 2021. PubMed ID: 34448047). Lastly, this variant was described in the homozygous state in an individual with retinal dystrophy (Biswas et al. 2021. PubMed ID: 34662339). This variant is reported in 0.00088% of alleles in individuals of European (Non-Finnish) descent in gnomAD. Although we suspect that c.2626C>T (p.Arg876Trp) may be pathogenic, the clinical significance of this variant is currently classified as uncertain at this time due to the absence of conclusive functional and genetic evidence.

Natera, Inc.
Classification: Uncertain significance for Zellweger syndrome. Last evaluated: 2020-03-11. Review status: no assertion criteria provided. Collection method: clinical testing. Allele origin: germline. Not counted in ClinVar's aggregate classification.

Counsyl
Classification: Uncertain significance for Peroxisome biogenesis disorder 4A (Zellweger); Peroxisome biogenesis disorder 4B. Last evaluated: 2017-03-20. Review status: no assertion criteria provided. Collection method: clinical testing. Allele origin: unknown. Not counted in ClinVar's aggregate classification.

Literature cited by the submitters: PubMed 27007981 (cited by Leeds Amelogenesis Imperfecta Research Group, University of Leeds and Women's Health and Genetics/Laboratory Corporation of America, LabCorp); PubMed 19877282 (cited by 3 submitters); PubMed 34448047 (cited by Women's Health and Genetics/Laboratory Corporation of America, LabCorp); PubMed 34662339 (cited by Women's Health and Genetics/Laboratory Corporation of America, LabCorp).

NM_000287.4(PEX6):c.2626C>T (p.Arg876Trp)

Gene: PEX6 (peroxisomal biogenesis factor 6; minus strand). Cytogenetic location: 6p21.1.
Variant type: single nucleotide variant.
Coding change: c.2626C>T on transcript NM_000287.4 (MANE Select); coding-DNA position 2626, C replaced by T.
Protein change: p.Arg876Trp; replaces arginine 876 with tryptophan.
Molecular consequence: missense variant. On other transcripts: non-coding transcript variant (1).
Genome position (GRCh38, 1-based): chr6:42,965,115, G>A on the plus strand (C>T on the coding strand, the complement: PEX6 is on the minus strand). VCF-style: chr6-42965115-G-A. GRCh37 (hg19) VCF-style: chr6-42932853-G-A.
Other names: c.2362C>T, p.Arg788Trp (NM_001316313.2); short protein forms R876W, R788W.
Identifiers: ClinVar variation 551183 (VCV000551183.20), dbSNP rs267608246, ClinGen allele CA3810958.